The following is an entry in ClinVar:

NM_000268.4(NF2):c.70G>A (p.Val24Met)

Gene: NF2 (NF2, moesin-ezrin-radixin like (MERLIN) tumor suppressor; plus strand). Cytogenetic location: 22q12.2.
Variant type: single nucleotide variant.
Coding change: c.70G>A on transcript NM_000268.4 (MANE Select); coding-DNA position 70, G replaced by A.
Protein change: p.Val24Met; replaces valine 24 with methionine.
Molecular consequence: missense variant. On other transcripts: 5 prime UTR variant (4), non-coding transcript variant (1).
Genome position (GRCh38, 1-based): chr22:29,604,068, G>A. VCF-style: chr22-29604068-G-A. GRCh37 (hg19) VCF-style: chr22-30000057-G-A.
Other names: c.-161G>A (NM_001407053.1, NM_001407056.1); c.70G>A, p.Val24Met (NM_001407054.1, NM_001407055.1, NM_001407057.1 and 15 more transcripts); c.-571G>A (NM_001407065.1); c.-187G>A (NM_001407067.1); short protein forms V24M.
Identifiers: ClinVar variation 3616121 (VCV003616121.3).

ClinVar aggregate classification (germline): Uncertain significance. Review status: criteria provided, multiple submitters, no conflicts (2 of 4 stars). 2 submissions from 2 submitters: Uncertain significance (2). Last evaluated 2026-02-19.

Conditions:
Hereditary cancer-predisposing syndrome. Also called: Neoplastic Syndromes, Hereditary; Tumor predisposition; Hereditary Cancer Syndrome; Hereditary neoplastic syndrome. Identifiers: Orphanet 140162, MedGen C0027672, MeSH D009386, MONDO:0015356.
Neurofibromatosis, type 2 (SWNV). Also called: BILATERAL ACOUSTIC NEUROFIBROMATOSIS; SCHWANNOMATOSIS, VESTIBULAR; NF2-Related Schwannomatosis. Identifiers: Orphanet 637, MedGen C0027832, MONDO:0007039, OMIM 101000. Disease mechanism: loss of function.

Submissions (2):

Ambry Genetics
Classification: Uncertain significance for Hereditary cancer-predisposing syndrome. Last evaluated: 2026-02-19. Review status: criteria provided, single submitter. Criteria: Ambry Variant Classification Scheme 2023. Collection method: clinical testing. Allele origin: germline.
Comment: The p.V24M variant (also known as c.70G>A), located in coding exon 1 of the NF2 gene, results from a G to A substitution at nucleotide position 70. The valine at codon 24 is replaced by methionine, an amino acid with highly similar properties. This amino acid position is highly conserved in available vertebrate species. In addition, the in silico prediction for this alteration is inconclusive. Based on the available evidence, the clinical significance of this variant remains unclear.

Labcorp Genetics (formerly Invitae), Labcorp
Classification: Uncertain significance for Neurofibromatosis, type 2. Last evaluated: 2024-02-14. Review status: criteria provided, single submitter. Criteria: Invitae Variant Classification Sherloc (09022015). Collection method: clinical testing. Allele origin: germline.
Comment: This sequence change replaces valine, which is neutral and non-polar, with methionine, which is neutral and non-polar, at codon 24 of the NF2 protein (p.Val24Met). This variant is not present in population databases (gnomAD no frequency). This variant has not been reported in the literature in individuals affected with NF2-related conditions. Advanced modeling of protein sequence and biophysical properties (such as structural, functional, and spatial information, amino acid conservation, physicochemical variation, residue mobility, and thermodynamic stability) performed at Invitae indicates that this missense variant is expected to disrupt NF2 protein function with a positive predictive value of 80%. In summary, the available evidence is currently insufficient to determine the role of this variant in disease. Therefore, it has been classified as a Variant of Uncertain Significance.